The following is an entry in ClinVar:

NM_018972.4(GDAP1):c.347T>G (p.Met116Arg)

Gene: GDAP1 (ganglioside induced differentiation associated protein 1; plus strand). Cytogenetic location: 8q21.11.
Variant type: single nucleotide variant.
Coding change: c.347T>G on transcript NM_018972.4 (MANE Select); coding-DNA position 347, T replaced by G.
Protein change: p.Met116Arg; replaces methionine 116 with arginine.
Molecular consequence: missense variant. On other transcripts: intron variant (1).
Genome position (GRCh38, 1-based): chr8:74,360,173, T>G. VCF-style: chr8-74360173-T-G. GRCh37 (hg19) VCF-style: chr8-75272408-T-G.
Other names: c.143T>G, p.Met48Arg (NM_001040875.4); c.20T>G, p.Met7Arg (NM_001362929.2, NM_001362932.2); c.347T>G, p.Met116Arg (NM_001362931.2); c.311-1711T>G (NM_001362930.2); c.347T>G (NM_018972.3); short protein forms M116R, M48R, M7R.
Identifiers: ClinVar variation 38411 (VCV000038411.78), dbSNP rs281865060, ClinGen allele CA343058.

ClinVar aggregate classification (germline): Pathogenic/Likely pathogenic. Review status: criteria provided, multiple submitters, no conflicts (2 of 4 stars). 10 submissions from 9 submitters: Pathogenic (4); Likely pathogenic (2). 4 of the submissions do not count toward it. Last evaluated 2026-09-25.

Conditions:
Charcot-Marie-Tooth disease. Also called: Charcot-Marie-Tooth Hereditary Neuropathy; Charcot-Marie-Tooth Neuropathy. Identifiers: Orphanet 166, MedGen C0007959, MONDO:0015626.
Charcot-Marie-Tooth disease recessive intermediate A (CMTRIA). Also called: CHARCOT-MARIE-TOOTH NEUROPATHY, RECESSIVE INTERMEDIATE A. Identifiers: Orphanet 217055, MedGen C1842197, MONDO:0012014, OMIM 608340.
Charcot-Marie-Tooth disease, axonal, with vocal cord paresis, autosomal recessive. Also called: CHARCOT-MARIE-TOOTH DISEASE, TYPE 4A, AXONAL FORM; CHARCOT-MARIE-TOOTH NEUROPATHY, AXONAL, WITH VOCAL CORD PARESIS, AUTOSOMAL RECESSIVE; CMT2 WITH VOCAL CORD PARESIS, AUTOSOMAL RECESSIVE. Identifiers: Orphanet 101097, MedGen C1843183, MONDO:0011898, OMIM 607706.
Charcot-Marie-Tooth disease type 4A. Also called: Charcot-Marie-Tooth disease, demyelinating, autosomal recessive, type 4a. Identifiers: Orphanet 99948, MedGen C1859198, MONDO:0008961, OMIM 214400.
Charcot-Marie-Tooth disease axonal type 2K (CMT2K). Also called: Charcot-Marie-Tooth disease type 2K; CHARCOT-MARIE-TOOTH DISEASE, AXONAL, AUTOSOMAL RECESSIVE, TYPE 2K; CHARCOT-MARIE-TOOTH NEUROPATHY, AXONAL, TYPE 2K. Identifiers: Orphanet 101097, Orphanet 99944, MedGen C1842983, MONDO:0011916, OMIM 607831.

Allele frequency attached by ClinVar (database versions not stated): ExAC 0.00001; gnomAD 0.00001; gnomAD exomes 0.00001.

Submissions (10):

GeneDx
Classification: Pathogenic. Last evaluated: 2026-09-25. Review status: criteria provided, single submitter. Criteria: GeneDx Variant Classification Process June 2021. Collection method: clinical testing. Allele origin: germline.
Comment: Not observed at significant frequency in large population cohorts (gnomAD); In silico analysis suggests that this missense variant does not alter protein structure/function; This variant is associated with the following publications: (PMID: 38428336, 16607474, 32376792, 28837237, 25429913, 38374194, 36790232, 23628762, 20685671, 20849849, 21965300, 15377708, 40711989, 38871447, 41606223)

Labcorp Genetics (formerly Invitae), Labcorp
Classification: Pathogenic for Charcot-Marie-Tooth disease type 4A. Last evaluated: 2024-12-16. Review status: criteria provided, single submitter. Criteria: Invitae Variant Classification Sherloc (09022015). Collection method: clinical testing. Allele origin: germline.
Comment: This sequence change replaces methionine, which is neutral and non-polar, with arginine, which is basic and polar, at codon 116 of the GDAP1 protein (p.Met116Arg). This variant is present in population databases (rs281865060, gnomAD 0.003%). This missense change has been observed in individuals with autosomal recessive Charcot-Marie-Tooth disease (PMID: 15377708, 25429913). It has also been observed to segregate with disease in related individuals. ClinVar contains an entry for this variant (Variation ID: 38411). Invitae Evidence Modeling of protein sequence and biophysical properties (such as structural, functional, and spatial information, amino acid conservation, physicochemical variation, residue mobility, and thermodynamic stability) indicates that this missense variant is not expected to disrupt GDAP1 protein function with a negative predictive value of 80%. Experimental studies have shown that this missense change does not substantially affect GDAP1 function (PMID: 21965300). For these reasons, this variant has been classified as Pathogenic.

Fulgent Genetics
Classification: Likely pathogenic for Charcot-Marie-Tooth disease type 4A; Charcot-Marie-Tooth disease, axonal, with vocal cord paresis, autosomal recessive; Charcot-Marie-Tooth disease axonal type 2K; Charcot-Marie-Tooth disease recessive intermediate A. Last evaluated: 2024-01-05. Review status: criteria provided, single submitter. Criteria: ACMG Guidelines, 2015. Collection method: clinical testing. Allele origin: germline.

Kariminejad - Najmabadi Pathology & Genetics Center
Classification: Likely pathogenic for Charcot-Marie-Tooth disease axonal type 2K; Charcot-Marie-Tooth disease, axonal, with vocal cord paresis, autosomal recessive; Charcot-Marie-Tooth disease recessive intermediate A; Charcot-Marie-Tooth disease type 4A. Last evaluated: 2023-04-27. Review status: criteria provided, single submitter. Criteria: ACMG Guidelines, 2015. Collection method: clinical testing. Allele origin: germline. Inheritance: Autosomal recessive inheritance. Affected: yes. Observed: 2 variant alleles.
Comment: PM2- PM1- PP5- PP3- PP2

CeGaT Center for Human Genetics Tuebingen
Classification: Pathogenic. Last evaluated: 2020-12-01. Review status: criteria provided, single submitter. Criteria: CeGaT Center For Human Genetics Tuebingen Variant Classification Criteria Version 2. Collection method: clinical testing. Allele origin: germline. Affected: yes. Observed: 2 variant alleles.

Sadaf Naz Human Genetics Laboratory, University of the Punjab
Classification: Pathogenic for Charcot-Marie-Tooth disease type 4A. Last evaluated: 2017-10-30. Review status: criteria provided, single submitter. Criteria: ACMG Guidelines, 2015. Collection method: research. Allele origin: germline. Inheritance: Autosomal recessive inheritance. Affected: yes. Observed: 2 homozygotes. Clinical features observed: Charcot-Marie-Tooth disease.
Comment: The variant Met116Arg caused Charcot-Marie-Tooth disease in two individuals of a consanguineous family. The patients cannot walk and move by dragging themselves with hands. They presented amyotrophy and areflexia of distal limb muscles. They exhibit valgus wrists and ankles and foot contractures. The variant c.347T>G, p.Met116Arg had an extremely low frequency in gnomAD and was absent in the 600 chromosomes of ethnically matched control population. The variant was previously reported to cause recessively inherited CMT in four Italian individuals in three different families. In summary, we classify the variant as pathogenic based on our segregation analysis and absence of the variant in ethnically matched control population.

Inherited Neuropathy Consortium Ii, University Of Miami
Classification: Uncertain significance for Charcot-Marie-Tooth disease axonal type 2K. Last evaluated: 2016-01-06. Review status: no assertion criteria provided. Collection method: literature only. Allele origin: germline. Affected: yes. Not counted in ClinVar's aggregate classification.

GeneReviews
No classification provided. Condition: Charcot-Marie-Tooth disease type 4A. Review status: no classification provided. Collection method: literature only. Allele origin: unknown. Not counted in ClinVar's aggregate classification.

GeneReviews
No classification provided. Condition: Charcot-Marie-Tooth disease. Review status: no classification provided. Collection method: literature only. Allele origin: germline. Not counted in ClinVar's aggregate classification.

Inherited Neuropathy Consortium
Classification: Uncertain significance for Charcot-Marie-Tooth disease. Review status: no assertion criteria provided. Collection method: literature only. Allele origin: germline. Affected: yes. Not counted in ClinVar's aggregate classification.

Literature cited by the submitters: PubMed 15377708 (cited by 4 submitters); PubMed 25429913 (cited by Labcorp Genetics (formerly Invitae), Labcorp); PubMed 21965300 (cited by Labcorp Genetics (formerly Invitae), Labcorp); PubMed 20301641 (cited by GeneReviews); NCBI Bookshelf NBK1468 (cited by GeneReviews); NCBI Bookshelf NBK1539 (cited by GeneReviews); PubMed 20301711 (cited by GeneReviews).